The following is an entry in ClinVar:

ClinVar aggregate classification (germline): Likely benign (0 of 4 stars; one submission).

Conditions:
FAT3-related disorder. Also called: FAT3-related condition.

Allele frequency attached by ClinVar (database versions not stated): TOPMed below 0.00001; gnomAD exomes 0.00004; ExAC 0.00012.
gnomAD v4.1: 63 of 1,612,742 alleles (0.0039%); highest among the groups gnomAD compares: South Asian, 0.062%; no homozygotes.

Submission:

PreventionGenetics, part of Exact Sciences
Classification: Likely benign for FAT3-related condition. Last evaluated: 2019-05-28. Review status: no assertion criteria provided. Collection method: clinical testing. Allele origin: germline.
Comment: This variant is classified as likely benign based on ACMG/AMP sequence variant interpretation guidelines (Richards et al. 2015 PMID: 25741868, with internal and published modifications).

NM_001367949.2(FAT3):c.13212C>G (p.Pro4404=)

Gene: FAT3 (FAT atypical cadherin 3; plus strand). Cytogenetic location: 11q14.3.
Variant type: single nucleotide variant.
Coding change: c.13212C>G on transcript NM_001367949.2 (MANE Select); coding-DNA position 13212, C replaced by G.
Protein change: p.Pro4404=; no amino-acid change (proline 4404 retained).
Molecular consequence: synonymous variant.
Genome position (GRCh38, 1-based): chr11:92,890,555, C>G. VCF-style: chr11-92890555-C-G. GRCh37 (hg19) VCF-style: chr11-92623721-C-G.
Other names: c.13116C>G, p.Pro4372= (NM_001008781.3).
Identifiers: ClinVar variation 3039379 (VCV003039379.2), dbSNP rs757998407, ClinGen allele CA6228739.